The following is an entry in ClinVar:

ClinVar aggregate classification (germline): Uncertain significance (1 of 4 stars; one submission).

Conditions:
Ullrich congenital muscular dystrophy 2 (UCMD2). Identifiers: Orphanet 75840, MedGen C4225314, MONDO:0014654, OMIM 616470.
Bethlem myopathy 2 (BTHLM2). Identifiers: Orphanet 536516, Orphanet 610, MedGen C4225313, MONDO:0034022, OMIM 616471.

Submission:

Labcorp Genetics (formerly Invitae), Labcorp
Classification: Uncertain significance for Bethlem myopathy 2; Ullrich congenital muscular dystrophy 2. Last evaluated: 2020-02-07. Review status: criteria provided, single submitter. Criteria: Invitae Variant Classification Sherloc (09022015). Collection method: clinical testing. Allele origin: germline.
Comment: In summary, the available evidence is currently insufficient to determine the role of this variant in disease. Therefore, it has been classified as a Variant of Uncertain Significance. Algorithms developed to predict the effect of missense changes on protein structure and function are either unavailable or do not agree on the potential impact of this missense change (SIFT: "Deleterious"; PolyPhen-2: "Probably Damaging"; Align-GVGD: "Class C0"). This variant has not been reported in the literature in individuals with COL12A1-related conditions. This variant is not present in population databases (ExAC no frequency). This sequence change replaces aspartic acid with histidine at codon 2329 of the COL12A1 protein (p.Asp2329His). The aspartic acid residue is highly conserved and there is a moderate physicochemical difference between aspartic acid and histidine.

NM_004370.6(COL12A1):c.6985G>C (p.Asp2329His)

Gene: COL12A1 (collagen type XII alpha 1 chain; minus strand). Cytogenetic location: 6q13.
Variant type: single nucleotide variant.
Coding change: c.6985G>C on transcript NM_004370.6 (MANE Select); coding-DNA position 6985, G replaced by C.
Protein change: p.Asp2329His; replaces aspartic acid 2329 with histidine.
Molecular consequence: missense variant.
Genome position (GRCh38, 1-based): chr6:75,121,403, C>G on the plus strand (G>C on the coding strand, the complement: COL12A1 is on the minus strand). VCF-style: chr6-75121403-C-G. GRCh37 (hg19) VCF-style: chr6-75831119-C-G.
Other names: c.3493G>C, p.Asp1165His (NM_080645.3); short protein forms D1165H, D2329H.
Identifiers: ClinVar variation 950583 (VCV000950583.10), dbSNP rs1765722908, ClinGen allele CA364750299.
Genomic context (GRCh38, chr6:75,121,403, plus strand): 5'-TATTGAAGATGAATTTTACAACTTTGTTAAAATTATCGTCCCCAATGCTCCAGGAGGCAT[C>G]AGTCAAGAACACAATATCTGCCTTGGCCCCTTTGCATACTGCAAAAAAAGAAAGCAGAGG-3'
Protein context (NP_004361.3, residues 2319-2339): GAKADIVFLT[Asp2329His]ASWSIGDDNF